The following is an entry in ClinVar:

NM_000051.4(ATM):c.5497-15G>C

Gene: ATM (ATM serine/threonine kinase; plus strand). Cytogenetic location: 11q22.3.
Variant type: single nucleotide variant.
Coding change: c.5497-15G>C on transcript NM_000051.4 (MANE Select); 15 bases into the intron before coding-DNA position 5497, G replaced by C.
Molecular consequence: intron variant.
Genome position (GRCh38, 1-based): chr11:108,304,660, G>C. VCF-style: chr11-108304660-G-C. GRCh37 (hg19) VCF-style: chr11-108175387-G-C.
Other names: c.5497-15G>C (NM_001351834.2).
Identifiers: ClinVar variation 136446 (VCV000136446.72), dbSNP rs3092828, ClinGen allele CA289575.

ClinVar aggregate classification (germline): Conflicting classifications of pathogenicity. Review status: criteria provided, conflicting classifications (1 of 4 stars). 22 submissions from 22 submitters: Uncertain significance (1); Benign (10); Likely benign (4). 7 of the submissions do not count toward it. Last evaluated 2026-09-01.

Conditions:
Breast and/or ovarian cancer. Identifiers: MedGen CN221562.
Hereditary cancer-predisposing syndrome. Also called: Neoplastic Syndromes, Hereditary; Tumor predisposition; Hereditary neoplastic syndrome; Hereditary Cancer Syndrome. Identifiers: Orphanet 140162, MedGen C0027672, MeSH D009386, MONDO:0015356.
Hereditary breast ovarian cancer syndrome. Also called: Breast and ovarian cancer; BRCA1- and BRCA2-Associated Hereditary Breast and Ovarian Cancer; Hereditary breast and/or ovarian cancer syndrome; Hereditary breast and ovarian cancer syndrome; Hereditary breast and ovarian cancer; Hereditary breast and ovarian cancer syndrome (HBOC). Identifiers: Orphanet 145, MedGen C0677776, MeSH D061325, MONDO:0003582. Disease mechanism: loss of function.
Familial cancer of breast. Also called: Hereditary breast cancer; hereditary breast carcinoma; BREAST CANCER, FAMILIAL. Identifiers: Orphanet 227535, MedGen C0346153, MONDO:0016419, OMIM 114480. Disease mechanism: loss of function.
Ataxia-telangiectasia syndrome (AT). Also called: Ataxia-telangiectasia, complementation group D; AT, COMPLEMENTATION GROUP C; Ataxia telangiectasia (A-T); LOUIS-BAR SYNDROME; Cerebello-oculocutaneous telangiectasia; Immunodeficiency with ataxia telangiectasia. Identifiers: Orphanet 100, MedGen C0004135, MONDO:0008840, OMIM 208900.
Malignant tumor of breast. Also called: Malignant breast neoplasm; Cancer breast. Identifiers: MedGen C0006142, MONDO:0007254. Disease mechanism: loss of function.

Allele frequency attached by ClinVar (database versions not stated): 1000 Genomes Project 30x 0.00219; 1000 Genomes Project 0.00220; TOPMed 0.00293; ESP Exome Variant Server 0.00300; gnomAD 0.00363 and 0.00383; ExAC 0.00410.
gnomAD v4.1: 8,152 of 1,611,928 alleles (0.51%); highest among the groups gnomAD compares: South Asian, 0.67%; 40 homozygotes.

Submissions (22):

CeGaT Center for Human Genetics Tuebingen
Classification: Likely benign. Last evaluated: 2026-09-01. Review status: criteria provided, single submitter. Criteria: CeGaT Center For Human Genetics Tuebingen Variant Classification Criteria Version 2. Collection method: clinical testing. Allele origin: germline. Affected: yes. Observed: 60 variant alleles.
Comment: ATM: BS2

Labcorp Genetics (formerly Invitae), Labcorp
Classification: Benign for Ataxia-telangiectasia syndrome. Last evaluated: 2026-02-04. Review status: criteria provided, single submitter. Criteria: Invitae Variant Classification Sherloc (09022015). Collection method: clinical testing. Allele origin: germline.

ARUP Laboratories, Molecular Genetics and Genomics, ARUP Laboratories
Classification: Benign. Last evaluated: 2025-07-16. Review status: criteria provided, single submitter. Criteria: ARUP Molecular Germline Variant Investigation Process 2024. Collection method: clinical testing. Allele origin: germline.

Center for Genomic Medicine, Rigshospitalet, Copenhagen University Hospital
Classification: Likely benign. Last evaluated: 2025-03-04. Review status: criteria provided, single submitter. Criteria: ACMG Guidelines, 2015. Collection method: clinical testing. Allele origin: germline.

Blueprint Genetics
Classification: Likely benign. Last evaluated: 2024-11-27. Review status: criteria provided, single submitter. Criteria: ACMG Guidelines, 2015. Collection method: clinical testing. Allele origin: germline.

Myriad Genetics, Inc.
Classification: Benign for Familial cancer of breast. Last evaluated: 2024-05-23. Review status: criteria provided, single submitter. Criteria: Myriad Autosomal Dominant, Autosomal Recessive and X-Linked Classification Criteria (2023). Collection method: clinical testing. Allele origin: unknown.
Comment: This variant is considered benign. This variant is intronic and is not expected to impact mRNA splicing. This variant has been observed at a population frequency that is significantly greater than expected given the associated disease prevalence and penetrance.

KCCC/NGS Laboratory, Kuwait Cancer Control Center
Classification: Benign for Familial cancer of breast. Last evaluated: 2023-07-07. Review status: criteria provided, single submitter. Criteria: ACMG Guidelines, 2015. Collection method: clinical testing. Allele origin: germline. Affected: yes.

National Health Laboratory Service, Universitas Academic Hospital and University of the Free State
Classification: Benign for Hereditary breast ovarian cancer syndrome. Last evaluated: 2022-04-19. Review status: criteria provided, single submitter. Criteria: ACMG Guidelines, 2015. Collection method: clinical testing. Allele origin: germline. Affected: yes. Observed: 1 variant allele.

CHEO Genetics Diagnostic Laboratory, Children's Hospital of Eastern Ontario
Classification: Benign for Breast and/or ovarian cancer. Last evaluated: 2021-06-02. Review status: criteria provided, single submitter. Criteria: ACMG Guidelines, 2015. Collection method: clinical testing. Allele origin: germline.

Women's Health and Genetics/Laboratory Corporation of America, LabCorp
Classification: Benign. Last evaluated: 2019-04-05. Review status: criteria provided, single submitter. Criteria: LabCorp Variant Classification Summary - May 2015. Collection method: clinical testing. Allele origin: germline.
Comment: Variant summary: ATM c.5497-15G>C alters a non-conserved nucleotide located close to a canonical splice site and therefore could affect mRNA splicing, leading to a significantly altered protein sequence. 5/5 computational tools predict no significant impact on normal splicing. However, these predictions have yet to be confirmed by functional studies. The variant allele was found at a frequency of 0.0044 in 276392 control chromosomes, predominantly at a frequency of 0.012 within the Finnish subpopulation in the gnomAD database, including 2 homozygotes. The observed variant frequency within Finnish control individuals in the gnomAD database is approximately 12 fold of the estimated maximal expected allele frequency for a pathogenic variant in ATM causing Breast Cancer phenotype (0.001), strongly suggesting that the variant is a benign polymorphism found primarily in populations of Finnish origin. The variant, c.5497-15G>C, has been reported in the literature in individuals affected with Cancer (Angele_2004, Birrell_2005, Heikkinen_2005). These reports do not provide unequivocal conclusions about association of the variant with Breast Cancer. Co-occurrences with other pathogenic variants have been reported (ATM c.5664_5665insC; ATM c.7307+1G>A; both in trans) in one patient associated with ataxia telangiectasia (Birrell_2005). This further supports a benign outcome due to the presence of this variant in cis with a pathogenic variant. To our knowledge, no experimental evidence demonstrating an impact on protein function has been reported. One clinical diagnostic laboratory has submitted clinical-significance assessments for this variant to ClinVar after 2014 without evidence for independent evaluation and classified the variant as benign. Based on the evidence outlined above, the variant was classified as benign.

Illumina Laboratory Services, Illumina
Classification: Uncertain significance for Ataxia-telangiectasia syndrome. Last evaluated: 2017-04-27. Review status: criteria provided, single submitter. Criteria: ICSL Variant Classification Criteria 13 December 2019. Collection method: clinical testing. Allele origin: germline.
Comment: This variant was observed as part of a predisposition screen in an ostensibly healthy population. A literature search was performed for the gene, cDNA change, and amino acid change (where applicable). Publications were found based on this search. However, the evidence from the literature, in combination with allele frequency data from public databases where available, was not sufficient to rule this variant in or out of causing disease. Therefore, this variant is classified as a variant of unknown significance.

Ambry Genetics
Classification: Likely benign for Hereditary cancer-predisposing syndrome. Last evaluated: 2015-08-13. Review status: criteria provided, single submitter. Criteria: Ambry Variant Classification Scheme 2023. Collection method: clinical testing. Allele origin: germline.

Color Diagnostics, LLC DBA Color Health
Classification: Benign for Hereditary cancer-predisposing syndrome. Last evaluated: 2015-04-24. Review status: criteria provided, single submitter. Criteria: ACMG Guidelines, 2015. Collection method: clinical testing. Allele origin: germline.

GeneDx
Classification: Benign. Last evaluated: 2013-12-20. Review status: criteria provided, single submitter. Criteria: GeneDx Variant Classification (06012015). Collection method: clinical testing. Allele origin: germline. Affected: yes.
Comment: This variant is considered likely benign or benign based on one or more of the following criteria: it is a conservative change, it occurs at a poorly conserved position in the protein, it is predicted to be benign by multiple in silico algorithms, and/or has population frequency not consistent with disease.

PreventionGenetics, part of Exact Sciences
Classification: Benign. Review status: criteria provided, single submitter. Criteria: ACMG Guidelines, 2015. Collection method: clinical testing. Allele origin: germline.

Clinical Genetics Laboratory, Department of Pathology, Netherlands Cancer Institute
Classification: Likely benign. Review status: no assertion criteria provided. Collection method: clinical testing. Allele origin: germline. Affected: yes. Study: VKGL Data-share Consensus. Not counted in ClinVar's aggregate classification.

Clinical Genetics, Academic Medical Center
Classification: Benign. Review status: no assertion criteria provided. Collection method: clinical testing. Allele origin: germline. Affected: yes. Study: VKGL Data-share Consensus. Not counted in ClinVar's aggregate classification.

Department of Pathology and Laboratory Medicine, Sinai Health System
Classification: Benign for Malignant tumor of breast. Review status: no assertion criteria provided. Collection method: clinical testing. Allele origin: unknown. Affected: yes. Observed: 2 variant alleles. Study: The Canadian Open Genetics Repository (COGR). Not counted in ClinVar's aggregate classification.
Comment: The ATM c.5497-15G>C variant was identified in the literature however the frequency of this variant in an affected population was not provided. The variant was also identified in dbSNP (ID: rs3092828) as â€šÃ„ÃºWith Benign alleleâ€šÃ„Ã¹, and ClinVar (3x benign from GeneDx, Prevention Genetics, Color Genomics). The variant was not identified in GeneInsight-COGR, COSMIC, MutDB, LOVD 3.0, or the ATM-LOVD databases. The variant was identified in control databases in 1213 (5 homozygous) of 276392 chromosomes at a frequency of 0.004 increasing the likelihood this could be a low frequency benign variant (Genome Aggregation Consortium Feb 27, 2017). The variant was identified in the following populations at a frequency greater than 1%: European (Finnish) in 304 of 25704 chromosomes (freq: 0.01). The variant occurs outside of the splicing consensus sequence and 1 of 5 in silico or computational prediction software programs (SpliceSiteFinder, MaxEntScan, NNSPLICE, GeneSplicer, HumanSpliceFinder) predict a greater than 10% difference in splicing; this is not very predictive of pathogenicity. In summary, this variant is classified as benign.

Genome Diagnostics Laboratory, Amsterdam University Medical Center
Classification: Benign. Review status: no assertion criteria provided. Collection method: clinical testing. Allele origin: germline. Affected: yes. Study: VKGL Data-share Consensus. Not counted in ClinVar's aggregate classification.

Genome Diagnostics Laboratory, University Medical Center Utrecht
Classification: Benign. Review status: no assertion criteria provided. Collection method: clinical testing. Allele origin: germline. Affected: yes. Study: VKGL Data-share Consensus. Not counted in ClinVar's aggregate classification.

Joint Genome Diagnostic Labs from Nijmegen and Maastricht, Radboudumc and MUMC+
Classification: Likely benign. Review status: no assertion criteria provided. Collection method: clinical testing. Allele origin: germline. Affected: yes. Study: VKGL Data-share Consensus. Not counted in ClinVar's aggregate classification.

Laboratory of Diagnostic Genome Analysis, Leiden University Medical Center (LUMC)
Classification: Likely benign. Review status: no assertion criteria provided. Collection method: clinical testing. Allele origin: germline. Affected: yes. Study: VKGL Data-share Consensus. Not counted in ClinVar's aggregate classification.

Literature cited by the submitters: PubMed 15756685 (cited by Women's Health and Genetics/Laboratory Corporation of America, LabCorp and Illumina Laboratory Services, Illumina); PubMed 15880721 (cited by Women's Health and Genetics/Laboratory Corporation of America, LabCorp); PubMed 15280931 (cited by Women's Health and Genetics/Laboratory Corporation of America, LabCorp and Illumina Laboratory Services, Illumina); PubMed 11443540 (cited by Illumina Laboratory Services, Illumina); PubMed 19347964 (cited by Illumina Laboratory Services, Illumina); PubMed 18433505 (cited by Illumina Laboratory Services, Illumina); PubMed 11505391 (cited by Illumina Laboratory Services, Illumina); PubMed 17640065 (cited by Illumina Laboratory Services, Illumina).